The following is an entry in ClinVar:

NM_012470.4(TNPO3):c.1011+190G>A

Gene: TNPO3 (transportin 3; minus strand). Cytogenetic location: 7q32.1.
Variant type: single nucleotide variant.
Coding change: c.1011+190G>A on transcript NM_012470.4 (MANE Select); 190 bases into the intron after coding-DNA position 1011, G replaced by A.
Molecular consequence: intron variant.
Genome position (GRCh38, 1-based): chr7:129,000,239, C>T on the plus strand (G>A on the coding strand, the complement: TNPO3 is on the minus strand). VCF-style: chr7-129000239-C-T. GRCh37 (hg19) VCF-style: chr7-128640293-C-T.
Other names: c.867+190G>A (NM_001382221.1); c.1011+190G>A (NM_001382222.1, NM_001382219.1, NM_001382223.1 and 4 more transcripts); c.1092+190G>A (NM_001382217.1).
Identifiers: ClinVar variation 670775 (VCV000670775.1), dbSNP rs4731536, ClinGen allele CA12482282.

ClinVar aggregate classification (germline): Benign (1 of 4 stars; one submission).

Allele frequency attached by ClinVar (database versions not stated): 1000 Genomes Project 30x 0.54685; 1000 Genomes Project 0.54952; TOPMed 0.58377; gnomAD 0.58882 and 0.59052.
gnomAD v4.1: 89,576 of 152,026 alleles (59%); highest among the groups gnomAD compares: South Asian, 62%; 26,602 homozygotes.

Submission:

GeneDx
Classification: Benign. Last evaluated: 2018-06-14. Review status: criteria provided, single submitter. Criteria: GeneDx Variant Classification (06012015). Collection method: clinical testing. Allele origin: germline. Affected: yes.
Comment: This variant is considered likely benign or benign based on one or more of the following criteria: it is a conservative change, it occurs at a poorly conserved position in the protein, it is predicted to be benign by multiple in silico algorithms, and/or has population frequency not consistent with disease.